The following is an entry in ClinVar:

ClinVar aggregate classification (germline): Likely benign. Review status: criteria provided, multiple submitters, no conflicts (2 of 4 stars). 8 submissions from 8 submitters: Likely benign (7). 1 of the submissions does not count toward it. Last evaluated 2025-12-23.

Conditions:
Wilson disease (WND). Also called: Wilson's disease. Identifiers: Orphanet 905, MedGen C0019202, MONDO:0010200, OMIM 277900. Disease mechanism: loss of function.

Allele frequency attached by ClinVar (database versions not stated): gnomAD 0.00001 and 0.00002; TOPMed 0.00001; ExAC 0.00002; gnomAD exomes 0.00002 and 0.00004; ESP Exome Variant Server 0.00008; 1000 Genomes Project 0.00020; 1000 Genomes Project 30x 0.00031.
gnomAD v4.1: 34 of 1,614,064 alleles (0.0021%); highest among the groups gnomAD compares: Middle Eastern, 0.016%; no homozygotes.

Submissions (8):

Labcorp Genetics (formerly Invitae), Labcorp
Classification: Likely benign for Wilson disease. Last evaluated: 2025-12-23. Review status: criteria provided, single submitter. Criteria: Invitae Variant Classification Sherloc (09022015). Collection method: clinical testing. Allele origin: germline.

Blueprint Genetics
Classification: Likely benign. Last evaluated: 2024-04-12. Review status: criteria provided, single submitter. Criteria: ACMG Guidelines, 2015. Collection method: clinical testing. Allele origin: germline.

All of Us Research Program, National Institutes of Health
Classification: Likely benign for Wilson disease. Last evaluated: 2023-12-13. Review status: criteria provided, single submitter. Criteria: ACMG Guidelines, 2015. Collection method: clinical testing. Allele origin: germline. Inheritance: Autosomal recessive inheritance. Observed: 2 variant alleles, 2 heterozygotes.
Comment: This study involves interpretation of variants in research participants for the purpose of population health screening. Participant phenotype was not available at the time of variant classification. Additional details can be found in publication PMID: 35346344, PMCID: PMC8962531

Color Diagnostics, LLC DBA Color Health
Classification: Likely benign for Wilson disease. Last evaluated: 2023-09-06. Review status: criteria provided, single submitter. Criteria: ACMG Guidelines, 2015. Collection method: clinical testing. Allele origin: germline.

Fulgent Genetics
Classification: Likely benign for Wilson disease. Last evaluated: 2021-08-09. Review status: criteria provided, single submitter. Criteria: ACMG Guidelines, 2015. Collection method: clinical testing. Allele origin: unknown.

CeGaT Center for Human Genetics Tuebingen
Classification: Likely benign. Last evaluated: 2020-03-01. Review status: criteria provided, single submitter. Criteria: CeGaT Center For Human Genetics Tuebingen Variant Classification Criteria Version 2. Collection method: clinical testing. Allele origin: germline. Affected: yes. Observed: 1 variant allele.

GeneDx
Classification: Likely benign. Last evaluated: 2019-12-23. Review status: criteria provided, single submitter. Criteria: GeneDx Variant Classification Process June 2021. Collection method: clinical testing. Allele origin: germline. Affected: yes.
Comment: See Variant Classification Assertion Criteria.

Natera, Inc.
Classification: Uncertain significance for Wilson disease. Last evaluated: 2020-04-15. Review status: no assertion criteria provided. Collection method: clinical testing. Allele origin: germline. Not counted in ClinVar's aggregate classification.

NM_000053.4(ATP7B):c.1830G>A (p.Pro610=)

Gene: ATP7B (ATPase copper transporting beta; minus strand). Cytogenetic location: 13q14.3.
Variant type: single nucleotide variant.
Coding change: c.1830G>A on transcript NM_000053.4 (MANE Select); coding-DNA position 1830, G replaced by A.
Protein change: p.Pro610=; no amino-acid change (proline 610 retained).
Molecular consequence: synonymous variant.
Genome position (GRCh38, 1-based): chr13:51,964,911, C>T on the plus strand (G>A on the coding strand, the complement: ATP7B is on the minus strand). VCF-style: chr13-51964911-C-T. GRCh37 (hg19) VCF-style: chr13-52539047-C-T.
Other names: c.1830G>A, p.Pro610= (NM_001005918.3, NM_001330578.2, NM_001330579.2); c.1497G>A, p.Pro499= (NM_001243182.2).
Identifiers: ClinVar variation 762839 (VCV000762839.56), dbSNP rs375689672, ClinGen allele CA6989217.